The following is an entry in ClinVar:

NM_001244926.2(PRPF4):c.150G>A (p.Leu50=)

Gene: PRPF4 (pre-mRNA splicing tri-snRNP complex factor PRPF4; plus strand). Cytogenetic location: 9q32.
Variant type: single nucleotide variant.
Coding change: c.150G>A on transcript NM_001244926.2 (MANE Select); coding-DNA position 150, G replaced by A.
Protein change: p.Leu50=; no amino-acid change (leucine 50 retained).
Molecular consequence: synonymous variant. On other transcripts: 5 prime UTR variant (2), non-coding transcript variant (2).
Genome position (GRCh38, 1-based): chr9:113,276,670, G>A. VCF-style: chr9-113276670-G-A. GRCh37 (hg19) VCF-style: chr9-116038950-G-A.
Other names: c.-616G>A (NM_001322266.2, NM_001322267.2); c.153G>A, p.Leu51= (NM_004697.5).
Identifiers: ClinVar variation 1930131 (VCV001930131.32), dbSNP rs199728999, ClinGen allele CA466754884.

ClinVar aggregate classification (germline): Likely benign. Review status: criteria provided, multiple submitters, no conflicts (2 of 4 stars). 2 submissions from 2 submitters: Likely benign (2). Last evaluated 2023-05-01.

Allele frequency attached by ClinVar (database versions not stated): gnomAD exomes below 0.00001.
gnomAD v4.1: 2 of 1,613,986 alleles (0.00012%); highest among the groups gnomAD compares: Middle Eastern, 0.016%; no homozygotes.

Submissions (2):

CeGaT Center for Human Genetics Tuebingen
Classification: Likely benign. Last evaluated: 2023-05-01. Review status: criteria provided, single submitter. Criteria: CeGaT Center For Human Genetics Tuebingen Variant Classification Criteria Version 2. Collection method: clinical testing. Allele origin: germline. Affected: yes. Observed: 1 variant allele.
Comment: PRPF4: PM2:Supporting, BP4, BP5

Labcorp Genetics (formerly Invitae), Labcorp
Classification: Likely benign. Last evaluated: 2022-07-21. Review status: criteria provided, single submitter. Criteria: Invitae Variant Classification Sherloc (09022015). Collection method: clinical testing. Allele origin: germline.